The following is an entry in ClinVar:

ClinVar aggregate classification (germline): Uncertain significance (1 of 4 stars; one submission).

Allele frequency attached by ClinVar (database versions not stated): TOPMed below 0.00001; ExAC 0.00001; gnomAD 0.00001; gnomAD exomes 0.00002; ESP Exome Variant Server 0.00008.
gnomAD v4.1: 24 of 1,613,728 alleles (0.0015%); highest among the groups gnomAD compares: Non-Finnish European, 0.0019%; no homozygotes.

Submission:

Labcorp Genetics (formerly Invitae), Labcorp
Classification: Uncertain significance. Last evaluated: 2022-06-19. Review status: criteria provided, single submitter. Criteria: Invitae Variant Classification Sherloc (09022015). Collection method: clinical testing. Allele origin: germline.
Comment: This sequence change replaces isoleucine, which is neutral and non-polar, with asparagine, which is neutral and polar, at codon 2932 of the FAT4 protein (p.Ile2932Asn). This variant is present in population databases (rs142171679, gnomAD 0.0009%). This variant has not been reported in the literature in individuals affected with FAT4-related conditions. Advanced modeling of protein sequence and biophysical properties (such as structural, functional, and spatial information, amino acid conservation, physicochemical variation, residue mobility, and thermodynamic stability) performed at Invitae indicates that this missense variant is not expected to disrupt FAT4 protein function. In summary, the available evidence is currently insufficient to determine the role of this variant in disease. Therefore, it has been classified as a Variant of Uncertain Significance.

NM_001291303.3(FAT4):c.8801T>A (p.Ile2934Asn)

Gene: FAT4 (FAT atypical cadherin 4; plus strand). Cytogenetic location: 4q28.1.
Variant type: single nucleotide variant.
Coding change: c.8801T>A on transcript NM_001291303.3 (MANE Select); coding-DNA position 8801, T replaced by A.
Protein change: p.Ile2934Asn; replaces isoleucine 2934 with asparagine.
Molecular consequence: missense variant.
Genome position (GRCh38, 1-based): chr4:125,449,811, T>A. VCF-style: chr4-125449811-T-A. GRCh37 (hg19) VCF-style: chr4-126370966-T-A.
Other names: c.8801T>A, p.Ile2934Asn (NM_001291285.3); c.8795T>A, p.Ile2932Asn (NM_024582.6); short protein forms I2934N, I2932N.
Identifiers: ClinVar variation 1973216 (VCV001973216.2), dbSNP rs142171679, ClinGen allele CA3073427.